The following is an entry in ClinVar:

ClinVar aggregate classification (germline): Pathogenic (1 of 4 stars; one submission).

Allele frequency attached by ClinVar (database versions not stated): gnomAD exomes below 0.00001; ExAC 0.00001.

Submission:

Labcorp Genetics (formerly Invitae), Labcorp
Classification: Pathogenic. Last evaluated: 2021-08-11. Review status: criteria provided, single submitter. Criteria: Invitae Variant Classification Sherloc (09022015). Collection method: clinical testing. Allele origin: germline.
Comment: This variant has not been reported in the literature in individuals affected with CPLANE1-related conditions. For these reasons, this variant has been classified as Pathogenic. This variant is present in population databases (rs750256343, ExAC 0.001%). This sequence change creates a premature translational stop signal (p.Gln1202*) in the CPLANE1 gene. It is expected to result in an absent or disrupted protein product. Loss-of-function variants in CPLANE1 are known to be pathogenic (PMID: 24178751, 26092869).

Literature cited by the submitters: PubMed 24178751; PubMed 26092869.

NM_001384732.1(CPLANE1):c.3604C>T (p.Gln1202Ter)

Gene: CPLANE1 (ciliogenesis and planar polarity effector complex subunit 1; minus strand). Cytogenetic location: 5p13.2.
Variant type: single nucleotide variant.
Coding change: c.3604C>T on transcript NM_001384732.1 (MANE Select); coding-DNA position 3604, C replaced by T.
Protein change: p.Gln1202Ter; replaces glutamine 1202 with a stop codon.
Molecular consequence: nonsense.
Genome position (GRCh38, 1-based): chr5:37,198,770, G>A on the plus strand (C>T on the coding strand, the complement: CPLANE1 is on the minus strand). VCF-style: chr5-37198770-G-A. GRCh37 (hg19) VCF-style: chr5-37198872-G-A.
Other names: c.3604C>T, p.Gln1202Ter (NM_023073.4); short protein forms Q1202*.
Identifiers: ClinVar variation 1454521 (VCV001454521.6), dbSNP rs750256343, ClinGen allele CA3238904.
Genomic context (GRCh38, chr5:37,198,770, plus strand): 5'-TGACTTTTCTTGCCCACCTCAACTGCAATATATACCACTGTGCTACAGGAAAAGAACACT[G>A]AGCCGCCCGGAAAAGCAGGAGAACACGCTGAAGGATTCCAGATACCTTCTGGCGATTATT-3'